The following is an entry in ClinVar:

NM_018124.4(RFWD3):c.2297A>G (p.Lys766Arg)

Gene: RFWD3 (ring finger and WD repeat domain 3; minus strand). Cytogenetic location: 16q23.1.
Variant type: single nucleotide variant.
Coding change: c.2297A>G on transcript NM_018124.4 (MANE Select); coding-DNA position 2297, A replaced by G.
Protein change: p.Lys766Arg; replaces lysine 766 with arginine.
Molecular consequence: missense variant.
Genome position (GRCh38, 1-based): chr16:74,623,956, T>C on the plus strand (A>G on the coding strand, the complement: RFWD3 is on the minus strand). VCF-style: chr16-74623956-T-C. GRCh37 (hg19) VCF-style: chr16-74657854-T-C.
Other names: c.2297A>G, p.Lys766Arg (NM_001370534.1, NM_001370535.1); c.2120A>G, p.Lys707Arg (NM_001370536.1); c.1463A>G, p.Lys488Arg (NM_001370537.1, NM_001370539.1, NM_001370540.1 and 2 more transcripts); short protein forms K707R, K488R, K766R.
Identifiers: ClinVar variation 4718485 (VCV004718485.1).

ClinVar aggregate classification (germline): Uncertain significance (1 of 4 stars; one submission).

gnomAD v4.1: 2 of 1,614,166 alleles (0.00012%); highest among the groups gnomAD compares: Non-Finnish European, 0.00017%; no homozygotes.

Submission:

Labcorp Genetics (formerly Invitae), Labcorp
Classification: Uncertain significance. Last evaluated: 2025-05-01. Review status: criteria provided, single submitter. Criteria: Invitae Variant Classification Sherloc (09022015). Collection method: clinical testing. Allele origin: germline.
Comment: This sequence change replaces lysine, which is basic and polar, with arginine, which is basic and polar, at codon 766 of the RFWD3 protein (p.Lys766Arg). This variant is present in population databases (no rsID available, gnomAD 0.0009%). This variant has not been reported in the literature in individuals affected with RFWD3-related conditions. An algorithm developed to predict the effect of missense changes on protein structure and function (PolyPhen-2) suggests that this variant is likely to be disruptive. In summary, the available evidence is currently insufficient to determine the role of this variant in disease. Therefore, it has been classified as a Variant of Uncertain Significance.